The following is an entry in ClinVar:

NM_005445.4(SMC3):c.401A>G (p.Asn134Ser)

Gene: SMC3 (structural maintenance of chromosomes 3; plus strand). Cytogenetic location: 10q25.2.
Variant type: single nucleotide variant.
Coding change: c.401A>G on transcript NM_005445.4 (MANE Select); coding-DNA position 401, A replaced by G.
Protein change: p.Asn134Ser; replaces asparagine 134 with serine.
Molecular consequence: missense variant.
Genome position (GRCh38, 1-based): chr10:110,578,678, A>G. VCF-style: chr10-110578678-A-G. GRCh37 (hg19) VCF-style: chr10-112338436-A-G.
Other names: short protein forms N134S.
Identifiers: ClinVar variation 2662855 (VCV002662855.1), dbSNP rs2493107869, ClinGen allele CA378373969.

ClinVar aggregate classification (germline): Likely pathogenic (1 of 4 stars; one submission).

Submission:

GeneDx
Classification: Likely pathogenic. Last evaluated: 2023-10-11. Review status: criteria provided, single submitter. Criteria: GeneDx Variant Classification Process June 2021. Collection method: clinical testing. Allele origin: germline. Affected: yes.
Comment: Not observed at significant frequency in large population cohorts (gnomAD); In silico analysis supports that this missense variant has a deleterious effect on protein structure/function; Has not been previously published as pathogenic or benign to our knowledge